The following is an entry in ClinVar:

NM_001184.4(ATR):c.3697A>G (p.Ile1233Val)

Gene: ATR (ATR checkpoint kinase; minus strand). Cytogenetic location: 3q23.
Variant type: single nucleotide variant.
Coding change: c.3697A>G on transcript NM_001184.4 (MANE Select); coding-DNA position 3697, A replaced by G.
Protein change: p.Ile1233Val; replaces isoleucine 1233 with valine.
Molecular consequence: missense variant.
Genome position (GRCh38, 1-based): chr3:142,538,510, T>C on the plus strand (A>G on the coding strand, the complement: ATR is on the minus strand). VCF-style: chr3-142538510-T-C. GRCh37 (hg19) VCF-style: chr3-142257352-T-C.
Other names: c.3697A>G (NM_001184.3); c.3505A>G, p.Ile1169Val (NM_001354579.2); short protein forms I1169V, I1233V.
Identifiers: ClinVar variation 2182877 (VCV002182877.5), dbSNP rs2108432259, ClinGen allele CA354807424.

ClinVar aggregate classification (germline): Uncertain significance. Review status: criteria provided, multiple submitters, no conflicts (2 of 4 stars). 2 submissions from 2 submitters: Uncertain significance (2). Last evaluated 2024-02-27.

Conditions:
Inborn genetic diseases. Identifiers: MedGen C0950123, MeSH D030342.

Allele frequency attached by ClinVar (database versions not stated): gnomAD exomes below 0.00001.
gnomAD v4.1: 4 of 1,613,236 alleles (0.00025%); highest among the groups gnomAD compares: South Asian, 0.0011%; no homozygotes.

Submissions (2):

Ambry Genetics
Classification: Uncertain significance for Inborn genetic diseases. Last evaluated: 2024-02-27. Review status: criteria provided, single submitter. Criteria: Ambry Variant Classification Scheme 2023. Collection method: clinical testing. Allele origin: germline.
Comment: The p.I1233V variant (also known as c.3697A>G), located in coding exon 19 of the ATR gene, results from an A to G substitution at nucleotide position 3697. The isoleucine at codon 1233 is replaced by valine, an amino acid with highly similar properties. This amino acid position is conserved. In addition, this alteration is predicted to be tolerated by in silico analysis. Based on the available evidence, the clinical significance of this alteration remains unclear.

Labcorp Genetics (formerly Invitae), Labcorp
Classification: Uncertain significance. Last evaluated: 2022-01-15. Review status: criteria provided, single submitter. Criteria: Invitae Variant Classification Sherloc (09022015). Collection method: clinical testing. Allele origin: germline.
Comment: In summary, the available evidence is currently insufficient to determine the role of this variant in disease. Therefore, it has been classified as a Variant of Uncertain Significance. Algorithms developed to predict the effect of missense changes on protein structure and function output the following: SIFT: "Tolerated"; PolyPhen-2: "Benign"; Align-GVGD: "Class C0". The valine amino acid residue is found in multiple mammalian species, which suggests that this missense change does not adversely affect protein function. This variant has not been reported in the literature in individuals affected with ATR-related conditions. This variant is not present in population databases (gnomAD no frequency). This sequence change replaces isoleucine, which is neutral and non-polar, with valine, which is neutral and non-polar, at codon 1233 of the ATR protein (p.Ile1233Val).